The following is an entry in ClinVar:

NM_000051.4(ATM):c.8356G>T (p.Gly2786Cys)

Genes: ATM (ATM serine/threonine kinase; plus strand), C11orf65 (chromosome 11 open reading frame 65; minus strand). Cytogenetic location: 11q22.3.
Variant type: single nucleotide variant.
Coding change: c.8356G>T on transcript NM_000051.4 (MANE Select); coding-DNA position 8356, G replaced by T.
Protein change: p.Gly2786Cys; replaces glycine 2786 with cysteine.
Molecular consequence: missense variant. On other transcripts: intron variant (2).
Genome position (GRCh38, 1-based): chr11:108,343,309, G>T. VCF-style: chr11-108343309-G-T. GRCh37 (hg19) VCF-style: chr11-108214036-G-T.
Other names: c.8356G>T, p.Gly2786Cys (NM_001351834.2); c.641-34238C>A (NM_001330368.2); c.695-8017C>A (NM_001351110.2); short protein forms G2786C.
Identifiers: ClinVar variation 1039779 (VCV001039779.9), dbSNP rs1167044647, ClinGen allele CA382516495.
Genomic context (GRCh38, chr11:108,343,309, plus strand): 5'-GTTCTTGAATGGTGCACAGGAACTGTCCCCATTGGTGAATTTCTTGTTAACAATGAAGAT[G>T]GTGCTCATAAAAGATACAGGCCAAATGATTTCAGTGCCTTTCAGTGCCAAAAGAAAATGA-3'
Protein context (NP_000042.3, residues 2776-2796): IGEFLVNNED[Gly2786Cys]AHKRYRPNDF

ClinVar aggregate classification (germline): Uncertain significance (1 of 4 stars; one submission).

Conditions:
Ataxia-telangiectasia syndrome (AT). Also called: Ataxia telangiectasia (A-T); ATAXIA-TELANGIECTASIA, COMPLEMENTATION GROUP A; ATAXIA-TELANGIECTASIA, FRESNO VARIANT; Ataxia-telangiectasia; Ataxia-telangiectasia, complementation group E; LOUIS-BAR SYNDROME. Identifiers: Orphanet 100, MedGen C0004135, MONDO:0008840, OMIM 208900.

Submission:

Labcorp Genetics (formerly Invitae), Labcorp
Classification: Uncertain significance for Ataxia-telangiectasia syndrome. Last evaluated: 2020-05-20. Review status: criteria provided, single submitter. Criteria: Invitae Variant Classification Sherloc (09022015). Collection method: clinical testing. Allele origin: germline.
Comment: Algorithms developed to predict the effect of missense changes on protein structure and function (SIFT, PolyPhen-2, Align-GVGD) all suggest that this variant is likely to be disruptive, but these predictions have not been confirmed by published functional studies and their clinical significance is uncertain. In summary, the available evidence is currently insufficient to determine the role of this variant in disease. Therefore, it has been classified as a Variant of Uncertain Significance. This variant has not been reported in the literature in individuals with ATM-related conditions. This sequence change replaces glycine with cysteine at codon 2786 of the ATM protein (p.Gly2786Cys). The glycine residue is highly conserved and there is a large physicochemical difference between glycine and cysteine. This variant is not present in population databases (ExAC no frequency).